The following is an entry in ClinVar:

NM_032638.5(GATA2):c.454A>T (p.Ser152Cys)

Gene: GATA2 (GATA binding protein 2; minus strand). Cytogenetic location: 3q21.3.
Variant type: single nucleotide variant.
Coding change: c.454A>T on transcript NM_032638.5 (MANE Select); coding-DNA position 454, A replaced by T.
Protein change: p.Ser152Cys; replaces serine 152 with cysteine.
Molecular consequence: missense variant.
Genome position (GRCh38, 1-based): chr3:128,486,144, T>A on the plus strand (A>T on the coding strand, the complement: GATA2 is on the minus strand). VCF-style: chr3-128486144-T-A. GRCh37 (hg19) VCF-style: chr3-128204987-T-A.
Other names: c.454A>T, p.Ser152Cys (NM_001145661.2, NM_001145662.1); short protein forms S152C.
Identifiers: ClinVar variation 4842569 (VCV004842569.1).
Genomic context (GRCh38, chr3:128,486,144, plus strand): 5'-CGAAAAGGTGGGAGCCAGAGTGGGCTGCTGTAGGGGTGAGGGAGGCCACTGAGCTCCCGC[T>A]GCCTCCCCCGCTCCCACCCCCAGCCCCTGGGTACACAGAGAGTGGGCCTCCAGGGCCTCC-3'
Protein context (NP_116027.2, residues 142-162): PGAGGGSGGG[Ser152Cys]GSSVASLTPT

ClinVar aggregate classification (germline): Uncertain significance (1 of 4 stars; one submission).

Conditions:
Inborn genetic diseases. Identifiers: MedGen C0950123, MeSH D030342.

Submission:

Ambry Genetics
Classification: Uncertain significance for Inborn genetic diseases. Last evaluated: 2026-01-03. Review status: criteria provided, single submitter. Criteria: Ambry Variant Classification Scheme 2023. Collection method: clinical testing. Allele origin: germline.
Comment: The p.S152C variant (also known as c.454A>T), located in coding exon 2 of the GATA2 gene, results from an A to T substitution at nucleotide position 454. The serine at codon 152 is replaced by cysteine, an amino acid with dissimilar properties. This amino acid position is conserved. In addition, the in silico prediction for this alteration is inconclusive. Based on the available evidence, the clinical significance of this variant remains unclear.